The following is an entry in ClinVar:

ClinVar aggregate classification (germline): Pathogenic (1 of 4 stars; one submission).

Conditions:
Nonsyndromic congenital nail disorder 4 (NDNC4). Also called: ANONYCHIA/HYPONYCHIA CONGENITA; ANONYCHIA TOTALIS. Identifiers: Orphanet 79143, Orphanet 94150, MedGen C3277900, MONDO:0008798, OMIM 206800.

Submission:

MVZ Medizinische Genetik Mainz
Classification: Pathogenic for Nonsyndromic congenital nail disorder 4. Last evaluated: 2024-04-23. Review status: criteria provided, single submitter. Criteria: UK Practice Guidelines For Variant Classification V4 01 2020. Collection method: clinical testing. Allele origin: germline. Inheritance: Autosomal recessive inheritance. Affected: yes. Observed: 1 variant allele.
Comment: ACMG Criteria: PVS1,PM2_SUP,PM3_SUP,PP4; Compound Heterozygote

NM_001029871.4(RSPO4):c.335_338del (p.Tyr112fs)

Gene: RSPO4 (R-spondin 4; minus strand). Cytogenetic location: 20p13.
Variant type: Deletion.
Coding change: c.335_338del on transcript NM_001029871.4 (MANE Select); coding-DNA positions 335 to 338, 4 bases deleted (ACTT; older notation c.335_338delACTT).
Protein change: p.Tyr112fs; shifts the reading frame from tyrosine 112.
Molecular consequence: frameshift variant.
Genome position (GRCh38, 1-based): chr20:967,245-967,248, AAGT deleted on the plus strand (ACTT on the coding strand, the reverse complement: RSPO4 is on the minus strand); deleting any 4 consecutive bases within chr20:967,245-967,250 gives the same sequence; the c. name uses the placement nearest the transcript's 3' end. VCF-style (leftmost placement, unchanged base first): chr20-967244-CAAGT-C. GRCh37 (hg19) VCF-style: chr20-947887-CAAGT-C.
Other names: c.335_338del, p.Tyr112fs (NM_001040007.3); short protein forms Y112fs.
Identifiers: ClinVar variation 3256625 (VCV003256625.1).
Genomic context (GRCh38, chr20:967,244, plus strand): 5'-CCGTGTGTTCTGGTGGGCCAAAGTGCCCGGCGGGCAGGTGGGCAGACACTTCCCCTTGTA[CAAGT>C]AAAACTGCCTCTTGCACCGGATGCAGAAGTCCTGGCTGAAGCAGCTCTCACAAGTGGCCC-3'